The following is an entry in ClinVar:

NM_005720.4(ARPC1B):c.461A>G (p.Asn154Ser)

Gene: ARPC1B (actin related protein 2/3 complex subunit 1B; plus strand). Cytogenetic location: 7q22.1.
Variant type: single nucleotide variant.
Coding change: c.461A>G on transcript NM_005720.4 (MANE Select); coding-DNA position 461, A replaced by G.
Protein change: p.Asn154Ser; replaces asparagine 154 with serine.
Molecular consequence: missense variant.
Genome position (GRCh38, 1-based): chr7:99,389,973, A>G. VCF-style: chr7-99389973-A-G. GRCh37 (hg19) VCF-style: chr7-98987596-A-G.
Other names: short protein forms N154S.
Identifiers: ClinVar variation 4746013 (VCV004746013.1).

ClinVar aggregate classification (germline): Uncertain significance (1 of 4 stars; one submission).

gnomAD v4.1: 1 of 1,613,882 alleles (0.000062%); highest among the groups gnomAD compares: Non-Finnish European, 0.000085%; no homozygotes.

Submission:

Labcorp Genetics (formerly Invitae), Labcorp
Classification: Uncertain significance. Last evaluated: 2025-05-27. Review status: criteria provided, single submitter. Criteria: Invitae Variant Classification Sherloc (09022015). Collection method: clinical testing. Allele origin: germline.
Comment: This sequence change replaces asparagine, which is neutral and polar, with serine, which is neutral and polar, at codon 154 of the ARPC1B protein (p.Asn154Ser). This variant is not present in population databases (gnomAD no frequency). This variant has not been reported in the literature in individuals affected with ARPC1B-related conditions. Invitae Evidence Modeling of protein sequence and biophysical properties (such as structural, functional, and spatial information, amino acid conservation, physicochemical variation, residue mobility, and thermodynamic stability) indicates that this missense variant is not expected to disrupt ARPC1B protein function with a negative predictive value of 80%. In summary, the available evidence is currently insufficient to determine the role of this variant in disease. Therefore, it has been classified as a Variant of Uncertain Significance.